The following is an entry in ClinVar:

NM_000548.5(TSC2):c.1240T>A (p.Cys414Ser)

Gene: TSC2 (TSC complex subunit 2; plus strand). Cytogenetic location: 16p13.3.
Variant type: single nucleotide variant.
Coding change: c.1240T>A on transcript NM_000548.5 (MANE Select); coding-DNA position 1240, T replaced by A.
Protein change: p.Cys414Ser; replaces cysteine 414 with serine.
Molecular consequence: missense variant.
Genome position (GRCh38, 1-based): chr16:2,061,991, T>A. VCF-style: chr16-2061991-T-A. GRCh37 (hg19) VCF-style: chr16-2111992-T-A.
Other names: c.1240T>A, p.Cys414Ser (NM_001077183.3, NM_001114382.3, NM_001363528.2 and 3 more transcripts); c.1129T>A, p.Cys377Ser (NM_001318827.2); c.1093T>A, p.Cys365Ser (NM_001318829.2); c.640T>A, p.Cys214Ser (NM_001318831.2); c.1273T>A, p.Cys425Ser (NM_001318832.2); short protein forms C214S, C365S, C377S, C414S, C425S.
Identifiers: ClinVar variation 1307109 (VCV001307109.6), dbSNP rs1057523509, ClinGen allele CA394321376.

ClinVar aggregate classification (germline): Uncertain significance. Review status: criteria provided, multiple submitters, no conflicts (2 of 4 stars). 3 submissions from 3 submitters: Uncertain significance (3). Last evaluated 2025-05-07.

Conditions:
Hereditary cancer-predisposing syndrome. Also called: Neoplastic Syndromes, Hereditary; Hereditary Cancer Syndrome; Tumor predisposition; Hereditary neoplastic syndrome. Identifiers: Orphanet 140162, MedGen C0027672, MeSH D009386, MONDO:0015356.
Tuberous sclerosis 2 (TSC2). Identifiers: Orphanet 805, MedGen C1860707, MONDO:0013199, OMIM 613254.

gnomAD v4.1: 5 of 1,614,074 alleles (0.00031%); highest among the groups gnomAD compares: Non-Finnish European, 0.00042%; no homozygotes.

Submissions (3):

Ambry Genetics
Classification: Uncertain significance for Hereditary cancer-predisposing syndrome. Last evaluated: 2025-05-07. Review status: criteria provided, single submitter. Criteria: Ambry Variant Classification Scheme 2023. Collection method: clinical testing. Allele origin: germline.
Comment: The p.C414S variant (also known as c.1240T>A), located in coding exon 11 of the TSC2 gene, results from a T to A substitution at nucleotide position 1240. The cysteine at codon 414 is replaced by serine, an amino acid with dissimilar properties. This amino acid position is not well conserved in available vertebrate species. In addition, the in silico prediction for this alteration is inconclusive. Based on the available evidence, the clinical significance of this variant remains unclear.

Labcorp Genetics (formerly Invitae), Labcorp
Classification: Uncertain significance for Tuberous sclerosis 2. Last evaluated: 2022-08-18. Review status: criteria provided, single submitter. Criteria: Invitae Variant Classification Sherloc (09022015). Collection method: clinical testing. Allele origin: germline.
Comment: This sequence change replaces cysteine, which is neutral and slightly polar, with serine, which is neutral and polar, at codon 414 of the TSC2 protein (p.Cys414Ser). This variant is not present in population databases (gnomAD no frequency). This variant has not been reported in the literature in individuals affected with TSC2-related conditions. ClinVar contains an entry for this variant (Variation ID: 1307109). Advanced modeling of protein sequence and biophysical properties (such as structural, functional, and spatial information, amino acid conservation, physicochemical variation, residue mobility, and thermodynamic stability) performed at Invitae indicates that this missense variant is not expected to disrupt TSC2 protein function. This variant disrupts the p.Cys414 amino acid residue in TSC2. Other variant(s) that disrupt this residue have been determined to be pathogenic (Invitae). This suggests that this residue is clinically significant, and that variants that disrupt this residue are likely to be disease-causing. In summary, the available evidence is currently insufficient to determine the role of this variant in disease. Therefore, it has been classified as a Variant of Uncertain Significance.

GeneDx
Classification: Uncertain significance. Last evaluated: 2022-05-13. Review status: criteria provided, single submitter. Criteria: GeneDx Variant Classification Process June 2021. Collection method: clinical testing. Allele origin: germline. Affected: yes.
Comment: Not observed in large population cohorts (gnomAD); In silico analysis, which includes protein predictors and evolutionary conservation, supports a deleterious effect; Has not been previously published as pathogenic or benign to our knowledge; This variant is associated with the following publications: (PMID: 18466115)